The following is an entry in ClinVar:

NM_000179.3(MSH6):c.2424T>A (p.Val808=)

Gene: MSH6 (mutS homolog 6; plus strand). Cytogenetic location: 2p16.3.
Variant type: single nucleotide variant.
Coding change: c.2424T>A on transcript NM_000179.3 (MANE Select); coding-DNA position 2424, T replaced by A.
Protein change: p.Val808=; no amino-acid change (valine 808 retained).
Molecular consequence: synonymous variant.
Genome position (GRCh38, 1-based): chr2:47,800,407, T>A. VCF-style: chr2-47800407-T-A. GRCh37 (hg19) VCF-style: chr2-48027546-T-A.
Other names: c.2034T>A, p.Val678= (NM_001281492.2); c.1518T>A, p.Val506= (NM_001281493.2, NM_001281494.2).
Identifiers: ClinVar variation 821248 (VCV000821248.13), dbSNP rs770208363, ClinGen allele CA426121847.

ClinVar aggregate classification (germline): Benign/Likely benign. Review status: criteria provided, multiple submitters, no conflicts (2 of 4 stars). 3 submissions from 3 submitters: Benign (1); Likely benign (2). Last evaluated 2024-12-31.

Conditions:
Hereditary nonpolyposis colorectal neoplasms. Identifiers: MedGen C0009405, MeSH D003123.
Lynch syndrome 5 (LYNCH5). Also called: Colorectal cancer, hereditary nonpolyposis, type 5; Hereditary non-polyposis colorectal cancer, type 5. Identifiers: Orphanet 144, MedGen C1833477, MONDO:0013710, OMIM 614350. Disease mechanism: loss of function.
Hereditary cancer-predisposing syndrome. Also called: Neoplastic Syndromes, Hereditary; Tumor predisposition; Hereditary Cancer Syndrome; Hereditary neoplastic syndrome. Identifiers: Orphanet 140162, MedGen C0027672, MeSH D009386, MONDO:0015356.

Submissions (3):

Myriad Genetics, Inc.
Classification: Benign for Lynch syndrome 5. Last evaluated: 2024-12-31. Review status: criteria provided, single submitter. Criteria: Myriad Autosomal Dominant, Autosomal Recessive and X-Linked Classification Criteria (2023). Collection method: clinical testing. Allele origin: unknown.
Comment: This variant is considered benign. This variant is a silent/synonymous amino acid change and it is not expected to impact splicing.

Labcorp Genetics (formerly Invitae), Labcorp
Classification: Likely benign for Hereditary nonpolyposis colorectal neoplasms. Last evaluated: 2024-10-21. Review status: criteria provided, single submitter. Criteria: Invitae Variant Classification Sherloc (09022015). Collection method: clinical testing. Allele origin: germline.

Ambry Genetics
Classification: Likely benign for Hereditary cancer-predisposing syndrome. Last evaluated: 2018-11-16. Review status: criteria provided, single submitter. Criteria: Ambry Variant Classification Scheme 2023. Collection method: clinical testing. Allele origin: germline.